The following is an entry in ClinVar:

ClinVar aggregate classification (germline): Uncertain significance (1 of 4 stars; one submission).

Submission:

Labcorp Genetics (formerly Invitae), Labcorp
Classification: Uncertain significance. Last evaluated: 2022-05-14. Review status: criteria provided, single submitter. Criteria: Invitae Variant Classification Sherloc (09022015). Collection method: clinical testing. Allele origin: germline.
Comment: In summary, the available evidence is currently insufficient to determine the role of this variant in disease. Therefore, it has been classified as a Variant of Uncertain Significance. Advanced modeling of protein sequence and biophysical properties (such as structural, functional, and spatial information, amino acid conservation, physicochemical variation, residue mobility, and thermodynamic stability) performed at Invitae indicates that this missense variant is not expected to disrupt RP1L1 protein function. This variant has not been reported in the literature in individuals affected with RP1L1-related conditions. This variant is not present in population databases (gnomAD no frequency). This sequence change replaces methionine, which is neutral and non-polar, with threonine, which is neutral and polar, at codon 230 of the RP1L1 protein (p.Met230Thr).

NM_178857.6(RP1L1):c.689T>C (p.Met230Thr)

Gene: RP1L1 (RP1 like 1). Cytogenetic location: 8p23.1.
Variant type: single nucleotide variant.
Coding change: c.689T>C on transcript NM_178857.6 (MANE Select); coding-DNA position 689, T replaced by C.
Protein change: p.Met230Thr; replaces methionine 230 with threonine.
Molecular consequence: missense variant.
Genome position (GRCh38, 1-based): chr8:10,616,508, A>G on the plus strand (T>C on the coding strand, the complement: RP1L1 is on the minus strand). VCF-style: chr8-10616508-A-G. GRCh37 (hg19) VCF-style: chr8-10474018-A-G.
Other names: short protein forms M230T.
Identifiers: ClinVar variation 1967014 (VCV001967014.5), dbSNP rs2486306086, ClinGen allele CA370299155.